The following is an entry in ClinVar:

NM_001242896.3(DEPDC5):c.1377T>A (p.Tyr459Ter)

Gene: DEPDC5 (DEP domain containing 5, GATOR1 subcomplex subunit; plus strand). Cytogenetic location: 22q12.3.
Variant type: single nucleotide variant.
Coding change: c.1377T>A on transcript NM_001242896.3 (MANE Select); coding-DNA position 1377, T replaced by A.
Protein change: p.Tyr459Ter; replaces tyrosine 459 with a stop codon.
Molecular consequence: nonsense. On other transcripts: non-coding transcript variant (5).
Genome position (GRCh38, 1-based): chr22:31,810,573, T>A. VCF-style: chr22-31810573-T-A. GRCh37 (hg19) VCF-style: chr22-32206559-T-A.
Other names: c.1377T>A, p.Tyr459Ter (NM_001007188.4, NM_001136029.4, NM_001242897.2 and 7 more transcripts); c.1293T>A, p.Tyr431Ter (NM_001369901.1, NM_001369902.1); short protein forms Y431*, Y459*.
Identifiers: ClinVar variation 5038150 (VCV005038150.1).

ClinVar aggregate classification (germline): Likely pathogenic (1 of 4 stars; one submission).

Conditions:
Epilepsy, familial focal, with variable foci 1 (FFEVF1). Also called: DEPDC5-Related Epilepsy. Identifiers: MedGen C4551983, MONDO:0024556, OMIM 604364.

Submission:

MVZ Medizinische Genetik Mainz
Classification: Likely pathogenic for Epilepsy, familial focal, with variable foci 1. Last evaluated: 2026-09-07. Review status: criteria provided, single submitter. Criteria: UK Practice Guidelines For Variant Classification V4 01 2020. Collection method: clinical testing. Allele origin: germline. Inheritance: Autosomal dominant inheritance. Affected: yes. Observed: 1 variant allele.
Comment: ACMG Criteria: PVS1,PM2_SUP